The following is an entry in ClinVar:

ClinVar aggregate classification (germline): Uncertain significance (1 of 4 stars; one submission).

Submission:

Labcorp Genetics (formerly Invitae), Labcorp
Classification: Uncertain significance. Last evaluated: 2024-04-17. Review status: criteria provided, single submitter. Criteria: Invitae Variant Classification Sherloc (09022015). Collection method: clinical testing. Allele origin: germline.
Comment: This sequence change replaces threonine, which is neutral and polar, with asparagine, which is neutral and polar, at codon 704 of the KMT2E protein (p.Thr704Asn). This variant is not present in population databases (gnomAD no frequency). This variant has not been reported in the literature in individuals affected with KMT2E-related conditions. Advanced modeling of protein sequence and biophysical properties (such as structural, functional, and spatial information, amino acid conservation, physicochemical variation, residue mobility, and thermodynamic stability) performed at Invitae indicates that this missense variant is not expected to disrupt KMT2E protein function with a negative predictive value of 80%. In summary, the available evidence is currently insufficient to determine the role of this variant in disease. Therefore, it has been classified as a Variant of Uncertain Significance.

NM_182931.3(KMT2E):c.2111C>A (p.Thr704Asn)

Gene: KMT2E (lysine methyltransferase 2E (inactive); plus strand). Cytogenetic location: 7q22.3.
Variant type: single nucleotide variant.
Coding change: c.2111C>A on transcript NM_182931.3 (MANE Select); coding-DNA position 2111, C replaced by A.
Protein change: p.Thr704Asn; replaces threonine 704 with asparagine.
Molecular consequence: missense variant.
Genome position (GRCh38, 1-based): chr7:105,102,109, C>A. VCF-style: chr7-105102109-C-A. GRCh37 (hg19) VCF-style: chr7-104742556-C-A.
Other names: c.2111C>A, p.Thr704Asn (NM_001410908.1, NM_018682.4); short protein forms T704N.
Identifiers: ClinVar variation 3650194 (VCV003650194.2).
Genomic context (GRCh38, chr7:105,102,109, plus strand): 5'-TAGAAGTTACTTCACAACAAAATGATATTGAAAATACTGTACTTACAATAGAACCAGAAA[C>A]TGAAACTGCACTAGCAGAAATAATTACTGAAACTGAAGTTCCAGCACTTAATAAATGTCC-3'
Protein context (NP_891847.1, residues 694-714): ENTVLTIEPE[Thr704Asn]ETALAEIITE